The following is an entry in ClinVar:

ClinVar aggregate classification (germline): Uncertain significance. Review status: criteria provided, multiple submitters, no conflicts (2 of 4 stars). 2 submissions from 2 submitters: Uncertain significance (2). Last evaluated 2025-05-25.

Conditions:
Inborn genetic diseases. Identifiers: MedGen C0950123, MeSH D030342.

Allele frequency attached by ClinVar (database versions not stated): ExAC 0.00002; gnomAD exomes below 0.00001; gnomAD 0.00001; TOPMed 0.00001.
gnomAD v4.1: 5 of 1,611,832 alleles (0.00031%); highest among the groups gnomAD compares: African/African-American, 0.004%; no homozygotes.

Submissions (2):

Ambry Genetics
Classification: Uncertain significance for Inborn genetic diseases. Last evaluated: 2025-05-25. Review status: criteria provided, single submitter. Criteria: Ambry Variant Classification Scheme 2023. Collection method: clinical testing. Allele origin: germline.

Labcorp Genetics (formerly Invitae), Labcorp
Classification: Uncertain significance. Last evaluated: 2021-12-24. Review status: criteria provided, single submitter. Criteria: Invitae Variant Classification Sherloc (09022015). Collection method: clinical testing. Allele origin: germline.
Comment: This sequence change replaces glutamine, which is neutral and polar, with lysine, which is basic and polar, at codon 145 of the DRAM2 protein (p.Gln145Lys). This variant is present in population databases (rs753451439, gnomAD 0.006%). This variant has not been reported in the literature in individuals affected with DRAM2-related conditions. Algorithms developed to predict the effect of missense changes on protein structure and function output the following: SIFT: "Tolerated"; PolyPhen-2: "Benign"; Align-GVGD: "Class C0". The lysine amino acid residue is found in multiple mammalian species, which suggests that this missense change does not adversely affect protein function. In summary, the available evidence is currently insufficient to determine the role of this variant in disease. Therefore, it has been classified as a Variant of Uncertain Significance.

NM_001349884.2(DRAM2):c.433C>A (p.Gln145Lys)

Gene: DRAM2 (DNA damage regulated autophagy modulator 2; minus strand). Cytogenetic location: 1p13.3.
Variant type: single nucleotide variant.
Coding change: c.433C>A on transcript NM_001349884.2 (MANE Select); coding-DNA position 433, C replaced by A.
Protein change: p.Gln145Lys; replaces glutamine 145 with lysine.
Molecular consequence: missense variant. On other transcripts: non-coding transcript variant (8).
Genome position (GRCh38, 1-based): chr1:111,120,600, G>T on the plus strand (C>A on the coding strand, the complement: DRAM2 is on the minus strand). VCF-style: chr1-111120600-G-T. GRCh37 (hg19) VCF-style: chr1-111663222-G-T.
Other names: c.433C>A, p.Gln145Lys (NM_001349881.2, NM_001349882.2, NM_001349885.2 and 1 more transcripts); c.163C>A, p.Gln55Lys (NM_001349886.2, NM_001349887.2, NM_001349888.2); c.43C>A, p.Gln15Lys (NM_001349889.2, NM_001349890.2, NM_001349891.2 and 2 more transcripts); c.433C>A (NM_178454.4); short protein forms Q55K, Q15K, Q145K.
Identifiers: ClinVar variation 1499456 (VCV001499456.6), dbSNP rs753451439, ClinGen allele CA1001834.